The following is an entry in ClinVar:

ClinVar aggregate classification (germline): Conflicting classifications of pathogenicity. Review status: criteria provided, conflicting classifications (1 of 4 stars). 2 submissions from 2 submitters: Uncertain significance (1); Likely benign (1). Last evaluated 2025-03-18.

Allele frequency attached by ClinVar (database versions not stated): ExAC 0.00002; gnomAD 0.00007.
gnomAD v4.1: 105 of 1,611,494 alleles (0.0065%); highest among the groups gnomAD compares: Non-Finnish European, 0.0085%; no homozygotes.

Submissions (2):

Labcorp Genetics (formerly Invitae), Labcorp
Classification: Uncertain significance. Last evaluated: 2025-03-18. Review status: criteria provided, single submitter. Criteria: Invitae Variant Classification Sherloc (09022015). Collection method: clinical testing. Allele origin: germline.
Comment: This sequence change replaces valine, which is neutral and non-polar, with methionine, which is neutral and non-polar, at codon 910 of the FBN3 protein (p.Val910Met). This variant is present in population databases (rs775664860, gnomAD 0.007%). This variant has not been reported in the literature in individuals affected with FBN3-related conditions. ClinVar contains an entry for this variant (Variation ID: 2223239). Invitae Evidence Modeling of protein sequence and biophysical properties (such as structural, functional, and spatial information, amino acid conservation, physicochemical variation, residue mobility, and thermodynamic stability) indicates that this missense variant is not expected to disrupt FBN3 protein function with a negative predictive value of 80%. In summary, the available evidence is currently insufficient to determine the role of this variant in disease. Therefore, it has been classified as a Variant of Uncertain Significance.

Ambry Genetics
Classification: Likely benign. Last evaluated: 2022-11-18. Review status: criteria provided, single submitter. Criteria: Ambry Variant Classification Scheme 2023. Collection method: clinical testing. Allele origin: germline.

NM_032447.5(FBN3):c.2728G>A (p.Val910Met)

Gene: FBN3 (fibrillin 3; minus strand). Cytogenetic location: 19p13.2.
Variant type: single nucleotide variant.
Coding change: c.2728G>A on transcript NM_032447.5 (MANE Select); coding-DNA position 2728, G replaced by A.
Protein change: p.Val910Met; replaces valine 910 with methionine.
Molecular consequence: missense variant.
Genome position (GRCh38, 1-based): chr19:8,125,895, C>T on the plus strand (G>A on the coding strand, the complement: FBN3 is on the minus strand). VCF-style: chr19-8125895-C-T. GRCh37 (hg19) VCF-style: chr19-8190779-C-T.
Other names: c.2728G>A, p.Val910Met (NM_001321431.2); short protein forms V910M.
Identifiers: ClinVar variation 2223239 (VCV002223239.3), dbSNP rs775664860, ClinGen allele CA9152753.